The following is an entry in ClinVar:

ClinVar aggregate classification (germline): Likely benign (0 of 4 stars; one submission).

Conditions:
SIM1-related disorder. Also called: SIM1-related disorders; SIM1-related condition.

Allele frequency attached by ClinVar (database versions not stated): gnomAD 0.00001; TOPMed 0.00002; ExAC 0.00004; ESP Exome Variant Server 0.00008.
gnomAD v4.1: 22 of 1,613,302 alleles (0.0014%); highest among the groups gnomAD compares: Non-Finnish European, 0.0018%; no homozygotes.

Submission:

PreventionGenetics, part of Exact Sciences
Classification: Likely benign for SIM1-related condition. Last evaluated: 2020-11-03. Review status: no assertion criteria provided. Collection method: clinical testing. Allele origin: germline.
Comment: This variant is classified as likely benign based on ACMG/AMP sequence variant interpretation guidelines (Richards et al. 2015 PMID: 25741868, with internal and published modifications).

NM_005068.3(SIM1):c.141C>T (p.Thr47=)

Gene: SIM1 (SIM bHLH transcription factor 1; minus strand). Cytogenetic location: 6q16.3.
Variant type: single nucleotide variant.
Coding change: c.141C>T on transcript NM_005068.3 (MANE Select); coding-DNA position 141, C replaced by T.
Protein change: p.Thr47=; no amino-acid change (threonine 47 retained).
Molecular consequence: synonymous variant.
Genome position (GRCh38, 1-based): chr6:100,463,328, G>A on the plus strand (C>T on the coding strand, the complement: SIM1 is on the minus strand). VCF-style: chr6-100463328-G-A. GRCh37 (hg19) VCF-style: chr6-100911204-G-A.
Other names: c.141C>T, p.Thr47= (NM_001374769.1).
Identifiers: ClinVar variation 3042822 (VCV003042822.2), dbSNP rs369709909, ClinGen allele CA3937416.